The following is an entry in ClinVar:

NM_001039.4(SCNN1G):c.-44-244_-44-236del

Gene: SCNN1G (sodium channel epithelial 1 subunit gamma; plus strand). Cytogenetic location: 16p12.2.
Variant type: Deletion.
Coding change: c.-44-244_-44-236del on transcript NM_001039.4 (MANE Select); 244 bases into the intron before 44 bases upstream of the start codon through 236 bases into the intron before 44 bases upstream of the start codon, 9 bases deleted (ACGGCTAGG; older notation c.-44-244_-44-236delACGGCTAGG).
Molecular consequence: intron variant.
Genome position (GRCh38, 1-based): chr16:23,185,984-23,185,992, ACGGCTAGG deleted. VCF-style (leftmost placement, unchanged base first): chr16-23185983-CACGGCTAGG-C. GRCh37 (hg19) VCF-style: chr16-23197304-CACGGCTAGG-C.
Identifiers: ClinVar variation 1699900 (VCV001699900.2), dbSNP rs201153561, ClinGen allele CA279440245.

ClinVar aggregate classification (germline): Likely benign (1 of 4 stars; one submission).

Allele frequency attached by ClinVar (database versions not stated): gnomAD 0.01113 and 0.01159.

Submission:

GeneDx
Classification: Likely benign. Last evaluated: 2020-09-10. Review status: criteria provided, single submitter. Criteria: GeneDx Variant Classification Process June 2021. Collection method: clinical testing. Allele origin: germline. Affected: yes.
Comment: See Variant Classification Assertion Criteria.